The following is an entry in ClinVar:

ClinVar aggregate classification (germline): Likely pathogenic (1 of 4 stars; one submission).

Conditions:
Dilated cardiomyopathy 1G (CMD1G). Identifiers: Orphanet 154, MedGen C1858763, MONDO:0011400, OMIM 604145.
Autosomal recessive limb-girdle muscular dystrophy type 2J (LGMDR10). Also called: Limb-girdle muscular dystrophy, type 2J; MUSCULAR DYSTROPHY, LIMB-GIRDLE, AUTOSOMAL RECESSIVE 10. Identifiers: Orphanet 140922, MedGen C1837342, MONDO:0012127, OMIM 608807.

Submission:

Labcorp Genetics (formerly Invitae), Labcorp
Classification: Likely pathogenic for Dilated cardiomyopathy 1G; Autosomal recessive limb-girdle muscular dystrophy type 2J. Last evaluated: 2021-08-07. Review status: criteria provided, single submitter. Criteria: Invitae Variant Classification Sherloc (09022015). Collection method: clinical testing. Allele origin: germline.
Comment: In summary, the currently available evidence indicates that the variant is pathogenic, but additional data are needed to prove that conclusively. Therefore, this variant has been classified as Likely Pathogenic. This variant is located in the A band of TTN (PMID: 25589632). Truncating variants in this region are significantly overrepresented in patients affected with dilated cardiomyopathy (PMID: 25589632). Truncating variants in this region have also been reported in individuals affected with autosomal recessive centronuclear myopathy (PMID: 23975875). This variant has not been reported in the literature in individuals affected with TTN-related conditions. This variant is not present in population databases (ExAC no frequency). This sequence change creates a premature translational stop signal (p.Ser16185Trpfs*10) in the TTN gene. While this is not anticipated to result in nonsense mediated decay, it is expected to create a truncated TTN protein.

Literature cited by the submitters: PubMed 25589632; PubMed 23975875.

NM_001267550.2(TTN):c.48550_48553dup (p.Ser16185fs)

Genes: TTN (titin; minus strand), TTN-AS1 (TTN antisense RNA 1; plus strand). Cytogenetic location: 2q31.2.
Variant type: Duplication.
Coding change: c.48550_48553dup on transcript NM_001267550.2 (MANE Select); coding-DNA positions 48550 to 48553, 4 bases duplicated (GGTT; older notation c.48550_48553dupGGTT).
Protein change: p.Ser16185fs; shifts the reading frame from serine 16185.
Molecular consequence: frameshift variant.
Genome position (GRCh38, 1-based): chr2:178,615,392-178,615,395, AACC duplicated on the plus strand (GGTT on the coding strand, the reverse complement: TTN is on the minus strand); duplicating any 4 consecutive bases within chr2:178,615,392-178,615,396 gives the same sequence; the c. name uses the placement nearest the transcript's 3' end. VCF-style (leftmost placement, unchanged base first): chr2-178615391-G-GAACC. GRCh37 (hg19) VCF-style: chr2-179480118-G-GAACC.
Other names: c.43627_43630dup, p.Ser14544fs (NM_001256850.1); c.21355_21358dup, p.Ser7120fs (NM_003319.4); c.40846_40849dup, p.Ser13617fs (NM_133378.4); c.21730_21733dup, p.Ser7245fs (NM_133432.3); c.21931_21934dup, p.Ser7312fs (NM_133437.4); short protein forms S13617fs, S7120fs, S7245fs, S7312fs, S14544fs, S16185fs.
Identifiers: ClinVar variation 1500068 (VCV001500068.6), dbSNP rs2154205990, ClinGen allele CA2573133773.